The following is an entry in ClinVar:

ClinVar aggregate classification (germline): Likely benign (1 of 4 stars; one submission).

Allele frequency attached by ClinVar (database versions not stated): 1000 Genomes Project 0.00020; gnomAD exomes 0.00034; gnomAD 0.00037; TOPMed 0.00037; ExAC 0.00056; 1000 Genomes Project 30x 0.00062.
gnomAD v4.1: 439 of 1,268,648 alleles (0.035%); highest among the groups gnomAD compares: Middle Eastern, 0.25%; 1 homozygote.

Submission:

CeGaT Center for Human Genetics Tuebingen
Classification: Likely benign. Last evaluated: 2023-03-01. Review status: criteria provided, single submitter. Criteria: CeGaT Center For Human Genetics Tuebingen Variant Classification Criteria Version 2. Collection method: clinical testing. Allele origin: germline. Affected: yes. Observed: 1 variant allele.
Comment: CRTC3: BP4, BP7

NM_022769.5(CRTC3):c.126G>A (p.Leu42=)

Genes: CRTC3 (CREB regulated transcription coactivator 3; plus strand), LOC130057919 (ATAC-STARR-seq lymphoblastoid silent region 6822; plus strand). Cytogenetic location: 15q26.1.
Variant type: single nucleotide variant.
Coding change: c.126G>A on transcript NM_022769.5 (MANE Select); coding-DNA position 126, G replaced by A.
Protein change: p.Leu42=; no amino-acid change (leucine 42 retained).
Molecular consequence: synonymous variant.
Genome position (GRCh38, 1-based): chr15:90,530,197, G>A. VCF-style: chr15-90530197-G-A. GRCh37 (hg19) VCF-style: chr15-91073429-G-A.
Other names: c.126G>A, p.Leu42= (NM_001042574.3).
Identifiers: ClinVar variation 2645708 (VCV002645708.24), dbSNP rs188476026, ClinGen allele CA7737564.